The following is an entry in ClinVar:

ClinVar aggregate classification (germline): Pathogenic (1 of 4 stars; one submission).

Submission:

Labcorp Genetics (formerly Invitae), Labcorp
Classification: Pathogenic. Last evaluated: 2022-07-25. Review status: criteria provided, single submitter. Criteria: Invitae Variant Classification Sherloc (09022015). Collection method: clinical testing. Allele origin: germline.
Comment: For these reasons, this variant has been classified as Pathogenic. This variant has not been reported in the literature in individuals affected with COL4A5-related conditions. This variant is not present in population databases (gnomAD no frequency). This sequence change creates a premature translational stop signal (p.Pro1364Leufs*7) in the COL4A5 gene. It is expected to result in an absent or disrupted protein product. Loss-of-function variants in COL4A5 are known to be pathogenic (PMID: 9195222, 10752524, 14514738, 24854265, 26809805).

Literature cited by the submitters: PubMed 9195222; PubMed 10752524; PubMed 14514738; PubMed 24854265; PubMed 26809805.

NM_033380.3(COL4A5):c.4109del (p.Pro1370fs)

Gene: COL4A5 (collagen type IV alpha 5 chain; plus strand). Cytogenetic location: Xq22.3.
Variant type: Deletion.
Coding change: c.4109del on transcript NM_033380.3 (MANE Select); coding-DNA position 4109, one base deleted (C; older notation c.4109delC).
Protein change: p.Pro1370fs; shifts the reading frame from proline 1370.
Molecular consequence: frameshift variant.
Genome position (GRCh38, 1-based): chrX:108,681,781, C deleted; the last of 2 consecutive C bases (chrX:108,681,780-108,681,781); deleting either gives the same sequence. VCF-style (leftmost placement, unchanged base first): chrX-108681779-TC-T. GRCh37 (hg19) VCF-style: chrX-107925009-TC-T.
Other names: c.4091del, p.Pro1364fs (NM_000495.5); short protein forms P1364fs, P1370fs.
Identifiers: ClinVar variation 2019634 (VCV002019634.4), dbSNP rs2524616402, ClinGen allele CA2580100212.